The following is an entry in ClinVar:

ClinVar aggregate classification (germline): Likely pathogenic (1 of 4 stars; one submission).

Conditions:
Kostmann syndrome (SCN3). Also called: KOSTMANN DISEASE; Autosomal recessive severe congenital neutropenia type 3. Identifiers: Orphanet 99749, MedGen C5235141, MONDO:0012548, OMIM 610738.

Submission:

Neuberg Centre For Genomic Medicine, NCGM
Classification: Likely pathogenic for Kostmann syndrome. Last evaluated: 2023-05-20. Review status: criteria provided, single submitter. Criteria: ACMG Guidelines, 2015. Collection method: clinical testing. Allele origin: germline. Inheritance: Autosomal recessive inheritance. Affected: yes.
Comment: The observed frameshift variant c.81_82del(p.Met27IlefsTer4) in HAX1 gene has not been reported previously as a pathogenic variant nor as a benign variant, to our knowledge. The c.81_82del variant is absent in gnomAD Exomes. This variant causes a frameshift starting with codon Methionine 27, changes this amino acid to Isoleucine residue, and creates a premature Stop codon at position 4 of the new reading frame, denoted p.Met27IlefsTer4. This variant is predicted to cause loss of normal protein function through protein truncation. Loss of function variants have been previously reported to be disease causing (Klein C, et al., 2007). For these reasons, this variant has been classified as Likely Pathogenic.

NM_006118.4(HAX1):c.81_83delinsT (p.Met27fs)

Gene: HAX1 (HCLS1 associated protein X-1; plus strand). Cytogenetic location: 1q21.3.
Variant type: Indel.
Coding change: c.81_83delinsT on transcript NM_006118.4 (MANE Select); coding-DNA positions 81 to 83, GAC replaced by T.
Protein change: p.Met27fs; shifts the reading frame from methionine 27.
Molecular consequence: frameshift variant. On other transcripts: intron variant (1).
Genome position (GRCh38, 1-based): chr1:154,273,363-154,273,365, GAC replaced by T. VCF-style: chr1-154273363-GAC-T. GRCh37 (hg19) VCF-style: chr1-154245839-GAC-T.
Other names: c.81_83delGACinsT (NM_006118.4); c.54-117_54-115delinsT (NM_001018837.2); short protein forms M27fs.
Identifiers: ClinVar variation 3367071 (VCV003367071.1).
Genomic context (GRCh38, chr1:154,273,363, plus strand): 5'-AAATATTGGTGGCCAATCTGCCTCCACTCTCAGCCACAGAGATCCCTTTTTTGGAGGGAT[GAC>T]TCGAGATGAAGATGATGATGAGGAAGAAGAAGAAGAAGGGGGCTCATGGGGCCGTGGGAA-3'